The following is an entry in ClinVar:

ClinVar aggregate classification (germline): Pathogenic (1 of 4 stars; one submission).

Conditions:
Glycogen storage disease, type V (GSD5). Also called: MCARDLE DISEASE; MUSCLE GLYCOGEN PHOSPHORYLASE DEFICIENCY; MYOPHOSPHORYLASE DEFICIENCY; PYGM DEFICIENCY; McArdle type glycogen storage disease. Identifiers: Orphanet 368, MedGen C0017924, MONDO:0009293, OMIM 232600.

Submission:

Myriad Genetics, Inc.
Classification: Pathogenic for Glycogen storage disease, type V. Last evaluated: 2024-05-14. Review status: criteria provided, single submitter. Criteria: Myriad Autosomal Dominant, Autosomal Recessive and X-Linked Classification Criteria (2023). Collection method: clinical testing. Allele origin: unknown.
Comment: NM_005609.2(PYGM):c.1811_1812delTG(V604Dfs*30) is expected to be pathogenic in the context of glycogen storage disease, PYGM-related. This variant is predicted to lead to an abnormal or absent protein product due to the creation of a premature termination codon in PYGM, a gene where loss-of-function variants are known to be pathogenic. Please note: this variant was assessed in the context of healthy population screening.

NM_005609.4(PYGM):c.1811_1812del (p.Val604fs)

Gene: PYGM (glycogen phosphorylase, muscle associated; minus strand). Cytogenetic location: 11q13.1.
Variant type: Microsatellite.
Coding change: c.1811_1812del on transcript NM_005609.4 (MANE Select); coding-DNA positions 1811 to 1812, 2 bases deleted (TG; older notation c.1811_1812delTG).
Protein change: p.Val604fs; shifts the reading frame from valine 604.
Molecular consequence: frameshift variant.
Genome position (GRCh38, 1-based): chr11:64,751,612-64,751,613, CA deleted on the plus strand (TG on the coding strand, the reverse complement: PYGM is on the minus strand); deleting any 2 consecutive bases within chr11:64,751,612-64,751,615 gives the same sequence; the c. name uses the placement nearest the transcript's 3' end. VCF-style (leftmost placement, unchanged base first): chr11-64751611-TCA-T. GRCh37 (hg19) VCF-style: chr11-64519083-TCA-T.
Other names: c.1547_1548del, p.Val516fs (NM_001164716.1); short protein forms V516fs, V604fs.
Identifiers: ClinVar variation 5013050 (VCV005013050.1).
Genomic context (GRCh38, chr11:64,751,611, plus strand): 5'-GATATATCAAAGGACGGGAGCCCAGGGCTGGAGCCTGGCTTCTCACCTTCCCTCCAATCA[TCA>T]CAGTCCGAGGCACAAAAAACTTATTGGGCTCCCTCTTGATGCCTGTGGAGAAACGAGAGG-3'